The following is an entry in ClinVar:

ClinVar aggregate classification (germline): Uncertain significance (1 of 4 stars; one submission).

Submission:

Labcorp Genetics (formerly Invitae), Labcorp
Classification: Uncertain significance. Last evaluated: 2021-04-06. Review status: criteria provided, single submitter. Criteria: Invitae Variant Classification Sherloc (09022015). Collection method: clinical testing. Allele origin: germline.
Comment: In summary, the available evidence is currently insufficient to determine the role of this variant in disease. Therefore, it has been classified as a Variant of Uncertain Significance. Advanced modeling of protein sequence and biophysical properties (such as structural, functional, and spatial information, amino acid conservation, physicochemical variation, residue mobility, and thermodynamic stability) performed at Invitae indicates that this missense variant is not expected to disrupt CYP4V2 protein function. This variant has not been reported in the literature in individuals with CYP4V2-related conditions. This variant is not present in population databases (ExAC no frequency). This sequence change replaces isoleucine with serine at codon 209 of the CYP4V2 protein (p.Ile209Ser). The isoleucine residue is highly conserved and there is a large physicochemical difference between isoleucine and serine.

NM_207352.4(CYP4V2):c.626T>G (p.Ile209Ser)

Gene: CYP4V2 (cytochrome P450 family 4 subfamily V member 2; plus strand). Cytogenetic location: 4q35.1.
Variant type: single nucleotide variant.
Coding change: c.626T>G on transcript NM_207352.4 (MANE Select); coding-DNA position 626, T replaced by G.
Protein change: p.Ile209Ser; replaces isoleucine 209 with serine.
Molecular consequence: missense variant.
Genome position (GRCh38, 1-based): chr4:186,197,554, T>G. VCF-style: chr4-186197554-T-G. GRCh37 (hg19) VCF-style: chr4-187118708-T-G.
Other names: short protein forms I209S.
Identifiers: ClinVar variation 1495243 (VCV001495243.8), dbSNP rs376640607, ClinGen allele CA358947740.